The following is an entry in ClinVar:

NM_015909.4(NBAS):c.4466A>G (p.Glu1489Gly)

Gene: NBAS (NBAS subunit of NRZ tethering complex; minus strand). Cytogenetic location: 2p24.3.
Variant type: single nucleotide variant.
Coding change: c.4466A>G on transcript NM_015909.4 (MANE Select); coding-DNA position 4466, A replaced by G.
Protein change: p.Glu1489Gly; replaces glutamic acid 1489 with glycine.
Molecular consequence: missense variant. On other transcripts: non-coding transcript variant (1).
Genome position (GRCh38, 1-based): chr2:15,327,866, T>C on the plus strand (A>G on the coding strand, the complement: NBAS is on the minus strand). VCF-style: chr2-15327866-T-C. GRCh37 (hg19) VCF-style: chr2-15467990-T-C.
Other names: c.4466A>G (NM_015909.2); short protein forms E1489G.
Identifiers: ClinVar variation 1525687 (VCV001525687.6), dbSNP rs1672145136, ClinGen allele CA345895656.
Genomic context (GRCh38, chr2:15,327,866, plus strand): 5'-CTCAGCAATACTTCTGCAAAGCTTTCCACTGGAACATGCTGATAGGTGTCATAGGTCCCT[T>C]CAGACTACACAAAAGAAGCAGTTTCACTATCTAGTAGGGTGCCTTTTGTCCTACAAACAT-3'
Protein context (NP_056993.2, residues 1479-1499): VISNPFVAES[Glu1489Gly]GTYDTYQHVP

ClinVar aggregate classification (germline): Uncertain significance. Review status: criteria provided, multiple submitters, no conflicts (2 of 4 stars). 2 submissions from 2 submitters: Uncertain significance (2). Last evaluated 2025-01-27.

Conditions:
Inborn genetic diseases. Identifiers: MedGen C0950123, MeSH D030342.

Allele frequency attached by ClinVar (database versions not stated): gnomAD exomes below 0.00001.
gnomAD v4.1: 3 of 1,613,594 alleles (0.00019%); highest among the groups gnomAD compares: Non-Finnish European, 0.00025%; no homozygotes.

Submissions (2):

Ambry Genetics
Classification: Uncertain significance for Inborn genetic diseases. Last evaluated: 2025-01-27. Review status: criteria provided, single submitter. Criteria: Ambry Variant Classification Scheme 2023. Collection method: clinical testing. Allele origin: germline.

Labcorp Genetics (formerly Invitae), Labcorp
Classification: Uncertain significance. Last evaluated: 2022-07-06. Review status: criteria provided, single submitter. Criteria: Invitae Variant Classification Sherloc (09022015). Collection method: clinical testing. Allele origin: germline.
Comment: Algorithms developed to predict the effect of missense changes on protein structure and function output the following: SIFT: "Tolerated"; PolyPhen-2: "Benign"; Align-GVGD: "Class C0". The glycine amino acid residue is found in multiple mammalian species, which suggests that this missense change does not adversely affect protein function. In summary, the available evidence is currently insufficient to determine the role of this variant in disease. Therefore, it has been classified as a Variant of Uncertain Significance. ClinVar contains an entry for this variant (Variation ID: 1525687). This sequence change replaces glutamic acid, which is acidic and polar, with glycine, which is neutral and non-polar, at codon 1489 of the NBAS protein (p.Glu1489Gly). This variant is not present in population databases (gnomAD no frequency). This variant has not been reported in the literature in individuals affected with NBAS-related conditions.